The following is an entry in ClinVar:

ClinVar aggregate classification (germline): Uncertain significance (1 of 4 stars; one submission).

Submission:

CeGaT Center for Human Genetics Tuebingen
Classification: Uncertain significance. Last evaluated: 2026-03-01. Review status: criteria provided, single submitter. Criteria: CeGaT Center For Human Genetics Tuebingen Variant Classification Criteria Version 2. Collection method: clinical testing. Allele origin: germline. Affected: yes. Observed: 1 variant allele.
Comment: CAD: PM2, PP3

NM_004341.5(CAD):c.6096+3G>C

Gene: CAD (carbamoyl-phosphate synthetase 2, aspartate transcarbamylase, and dihydroorotase; plus strand). Cytogenetic location: 2p23.3.
Variant type: single nucleotide variant.
Coding change: c.6096+3G>C on transcript NM_004341.5 (MANE Select); 3 bases into the intron after coding-DNA position 6096, G replaced by C.
Molecular consequence: intron variant.
Genome position (GRCh38, 1-based): chr2:27,242,126, G>C. VCF-style: chr2-27242126-G-C. GRCh37 (hg19) VCF-style: chr2-27464994-G-C.
Other names: c.5907+3G>C (NM_001306079.2).
Identifiers: ClinVar variation 4822160 (VCV004822160.4).